The following is an entry in ClinVar:

NM_144687.4(NLRP12):c.2666T>A (p.Leu889Gln)

Gene: NLRP12 (NLR family pyrin domain containing 12; minus strand). Cytogenetic location: 19q13.42.
Variant type: single nucleotide variant.
Coding change: c.2666T>A on transcript NM_144687.4 (MANE Select); coding-DNA position 2666, T replaced by A.
Protein change: p.Leu889Gln; replaces leucine 889 with glutamine.
Molecular consequence: missense variant.
Genome position (GRCh38, 1-based): chr19:53,801,317, A>T on the plus strand (T>A on the coding strand, the complement: NLRP12 is on the minus strand). VCF-style: chr19-53801317-A-T. GRCh37 (hg19) VCF-style: chr19-54304571-A-T.
Other names: c.2669T>A, p.Leu890Gln (NM_001277126.2); c.2666T>A, p.Leu889Gln (NM_001277129.1); short protein forms L890Q, L889Q.
Identifiers: ClinVar variation 1360356 (VCV001360356.8), dbSNP rs534132036, ClinGen allele CA310061934.

ClinVar aggregate classification (germline): Uncertain significance (1 of 4 stars; one submission).

Conditions:
Familial cold autoinflammatory syndrome 2 (FCAS2). Identifiers: Orphanet 247868, MedGen C2673198, MONDO:0012724, OMIM 611762.

Allele frequency attached by ClinVar (database versions not stated): gnomAD exomes 0.00001.
gnomAD v4.1: 11 of 1,614,074 alleles (0.00068%); highest among the groups gnomAD compares: Non-Finnish European, 0.00093%; no homozygotes.

Submission:

Labcorp Genetics (formerly Invitae), Labcorp
Classification: Uncertain significance for Familial cold autoinflammatory syndrome 2. Last evaluated: 2022-03-19. Review status: criteria provided, single submitter. Criteria: Invitae Variant Classification Sherloc (09022015). Collection method: clinical testing. Allele origin: germline.
Comment: This sequence change replaces leucine, which is neutral and non-polar, with glutamine, which is neutral and polar, at codon 889 of the NLRP12 protein (p.Leu889Gln). This variant is not present in population databases (gnomAD no frequency). This variant has not been reported in the literature in individuals affected with NLRP12-related conditions. Algorithms developed to predict the effect of missense changes on protein structure and function are either unavailable or do not agree on the potential impact of this missense change (SIFT: "Deleterious"; PolyPhen-2: "Probably Damaging"; Align-GVGD: "Class C0"). In summary, the available evidence is currently insufficient to determine the role of this variant in disease. Therefore, it has been classified as a Variant of Uncertain Significance.